The following is an entry in ClinVar:

NM_000795.4(DRD2):c.826G>C (p.Ala276Pro)

Gene: DRD2 (dopamine receptor D2; minus strand). Cytogenetic location: 11q23.2.
Variant type: single nucleotide variant.
Coding change: c.826G>C on transcript NM_000795.4 (MANE Select); coding-DNA position 826, G replaced by C.
Protein change: p.Ala276Pro; replaces alanine 276 with proline.
Molecular consequence: missense variant.
Genome position (GRCh38, 1-based): chr11:113,412,868, C>G on the plus strand (G>C on the coding strand, the complement: DRD2 is on the minus strand). VCF-style: chr11-113412868-C-G. GRCh37 (hg19) VCF-style: chr11-113283590-C-G.
Other names: c.739G>C, p.Ala247Pro (NM_016574.4); short protein forms A247P, A276P.
Identifiers: ClinVar variation 3620913 (VCV003620913.2).

ClinVar aggregate classification (germline): Uncertain significance (1 of 4 stars; one submission).

Conditions:
Dystonic disorder. Also called: Dystonia. Identifiers: MedGen C0013421, MONDO:0003441, HP:0001332.

Submission:

Labcorp Genetics (formerly Invitae), Labcorp
Classification: Uncertain significance for Dystonic disorder. Last evaluated: 2024-02-22. Review status: criteria provided, single submitter. Criteria: Invitae Variant Classification Sherloc (09022015). Collection method: clinical testing. Allele origin: germline.
Comment: This sequence change replaces alanine, which is neutral and non-polar, with proline, which is neutral and non-polar, at codon 276 of the DRD2 protein (p.Ala276Pro). This variant is not present in population databases (gnomAD no frequency). This variant has not been reported in the literature in individuals affected with DRD2-related conditions. An algorithm developed to predict the effect of missense changes on protein structure and function (PolyPhen-2) suggests that this variant is likely to be tolerated. In summary, the available evidence is currently insufficient to determine the role of this variant in disease. Therefore, it has been classified as a Variant of Uncertain Significance.